The following is an entry in ClinVar:

ClinVar aggregate classification (germline): Likely pathogenic (1 of 4 stars; one submission).

Conditions:
Hereditary cancer-predisposing syndrome. Also called: Hereditary Cancer Syndrome; Hereditary neoplastic syndrome; Neoplastic Syndromes, Hereditary; Tumor predisposition. Identifiers: Orphanet 140162, MedGen C0027672, MeSH D009386, MONDO:0015356.

Submission:

Ambry Genetics
Classification: Likely pathogenic for Hereditary cancer-predisposing syndrome. Last evaluated: 2024-08-21. Review status: criteria provided, single submitter. Criteria: Ambry Variant Classification Scheme 2023. Collection method: clinical testing. Allele origin: germline.
Comment: The p.D319Y variant (also known as c.955G>T), located in coding exon 7 of the FH gene, results from a G to T substitution at nucleotide position 955. The aspartic acid at codon 319 is replaced by tyrosine, an amino acid with highly dissimilar properties. This amino acid position is highly conserved in available vertebrate species. In addition, this alteration is predicted to be deleterious by in silico analysis. This alteration has been detected in at least one individual with multiple cutaneous leiomyomata (Ambry internal data). This variant is considered to be rare based on population cohorts in the Genome Aggregation Database (gnomAD). In addition, this alteration is predicted to be structurally destabilizing (Ambry internal data). Based on the majority of available evidence to date, this variant is likely to be pathogenic.

NM_000143.4(FH):c.955G>T (p.Asp319Tyr)

Gene: FH (fumarate hydratase; minus strand). Cytogenetic location: 1q43.
Variant type: single nucleotide variant.
Coding change: c.955G>T on transcript NM_000143.4 (MANE Select); coding-DNA position 955, G replaced by T.
Protein change: p.Asp319Tyr; replaces aspartic acid 319 with tyrosine.
Molecular consequence: missense variant.
Genome position (GRCh38, 1-based): chr1:241,504,195, C>A on the plus strand (G>T on the coding strand, the complement: FH is on the minus strand). VCF-style: chr1-241504195-C-A. GRCh37 (hg19) VCF-style: chr1-241667495-C-A.
Other names: short protein forms D319Y.
Identifiers: ClinVar variation 1767388 (VCV001767388.3), dbSNP rs2527319648, ClinGen allele CA345438338.